The following is an entry in ClinVar:

ClinVar aggregate classification (germline): Pathogenic/Likely pathogenic. Review status: criteria provided, multiple submitters, no conflicts (2 of 4 stars). 5 submissions from 5 submitters: Pathogenic (3); Likely pathogenic (2). Last evaluated 2025-12-13.

Conditions:
Melanoma and neural system tumor syndrome. Also called: MELANOMA-ASTROCYTOMA SYNDROME. Identifiers: Orphanet 252206, MedGen C1835042, MONDO:0007967, OMIM 155755.
Familial melanoma. Also called: Hereditary melanoma; Hereditary cutaneous melanoma. Identifiers: Orphanet 618, MedGen C1512419, MONDO:0018961.
Hereditary cancer-predisposing syndrome. Also called: Hereditary neoplastic syndrome; Tumor predisposition; Neoplastic Syndromes, Hereditary; Hereditary Cancer Syndrome. Identifiers: Orphanet 140162, MedGen C0027672, MeSH D009386, MONDO:0015356.

Submissions (5):

Labcorp Genetics (formerly Invitae), Labcorp
Classification: Pathogenic for Familial melanoma. Last evaluated: 2025-12-13. Review status: criteria provided, single submitter. Criteria: Invitae Variant Classification Sherloc (09022015). Collection method: clinical testing. Allele origin: germline.
Comment: The CDKN2A gene encodes two different proteins, p16INK4a and p14ARF, which are translated from alternative transcripts with different open reading frames. Both transcripts have been analyzed. We report either the variant with the higher classification or default to the CDKN2A (p16INK4a) variant. This report therefore includes the details for the CDKN2A (p16INK4a) variant. This sequence change replaces methionine, which is neutral and non-polar, with isoleucine, which is neutral and non-polar, at codon 53 of the CDKN2A (p16INK4a) protein (p.Met53Ile). This variant is not present in population databases (gnomAD no frequency). This missense change has been observed in individual(s) with melanoma and/or pancreatic cancer (PMID: 8595405, 9328469, 9389568, 9699728, 11595726, 16234564, 16307646, 16905682, 17171691, 25356972). This variant is also known as c.202G>A (p.Asp68Asn) in the CDKN2A (p14ARF) transcript. ClinVar contains an entry for this variant (Variation ID: 532294). An algorithm developed to predict the effect of missense changes on protein structure and function (PolyPhen-2) suggests that this variant is likely to be disruptive. Experimental studies have shown that this missense change affects CDKN2A (p16INK4a) function (PMID: 9328469, 9389568, 11595726). For these reasons, this variant has been classified as Pathogenic. While the evidence indicates that this variant confers risk of developing CDKN2A (p16INK4a)-associated conditions, its association with risk for developing CDKN2A (p14ARF)-associated conditions is still unclear.

Ambry Genetics
Classification: Likely pathogenic for Hereditary cancer-predisposing syndrome. Last evaluated: 2025-11-14. Review status: criteria provided, single submitter. Criteria: Ambry Variant Classification Scheme 2023. Collection method: clinical testing. Allele origin: germline.
Comment: The p.M53I pathogenic mutation (also known as c.159G>A), located in coding exon 2 of the CDKN2A gene, results from a G to A substitution at nucleotide position 159. The methionine at codon 53 is replaced by isoleucine, an amino acid with highly similar properties. This alteration has been reported in multiple individuals with either multiple primary melanoma (MPM) or a single primary melanoma (SPM) (Begg CB et al. J. Natl. Cancer Inst., 2005 Oct;97:1507-15; Berwick M et al. Cancer Epidemiol. Biomarkers Prev., 2006 Aug;15:1520-5; Orlow I et al. J. Invest. Dermatol., 2007 May;127:1234-43; Ambry internal data). An alteration resulting in the same amino acid substitution, c.159G>C, is believed to be Scottish founder mutation and has been shown occur in and segregate with disease in multiple large melanoma kindreds (Lang J et al. Br. J. Dermatol., 2005 Dec;153:1121-5; Lang J et al. Genes Chromosomes Cancer, 2007 Mar;46:277-87; FitzGerald MG et al. Proc. Natl. Acad. Sci. U.S.A., 1996 Aug;93:8541-5; Goldstein AM et al. J. Med. Genet., 2007 Feb;44:99-106; MacKie RM et al. J. Invest. Dermatol., 1998 Aug;111:269-72; Monzon et al. N Eng J Med 1998; 338(13): 879-87; Soufir N, et al. Hum. Mol. Genet. 1998 Feb;7(2):209-16; Walker GJ, Hum. Mol. Genet. 1995 Oct; 4(10):1845-52). Functional analyses of proteins harboring p.M53I substitution have demonstrated severely impaired CDK4 binding, reduced CDK6 binding, and reduced colony forming ability (Becker TM, et al. Clin. Cancer Res. 2001 Oct;7(10):3282-8; Harland M et al. Hum. Mol. Genet., 1997 Nov;6:2061-7; McKenzie et al. Hum Mutat 2010; 31(6): 692-701; Sun et al. Int J Cancer 1997; 73(4): 531-6). Based on internal structural analysis, p.M53I sits at the interface between alpha-helices and is anticipated to result in a significant decrease in structural stability and/or protein folding (Ambry internal data). Of note, this alteration is also designated as p.M45I in published literature. This amino acid position is well conserved in available vertebrate species. In addition, the in silico prediction for this alteration is inconclusive. Based on the majority of available evidence to date, this variant is likely to be pathogenic.

Color Diagnostics, LLC DBA Color Health
Classification: Pathogenic for Hereditary cancer-predisposing syndrome. Last evaluated: 2023-09-25. Review status: criteria provided, single submitter. Criteria: ACMG Guidelines, 2015. Collection method: clinical testing. Allele origin: germline.
Comment: This missense variant replaces methionine with isoleucine at codon 53 outside of a highly conserved region of the ankyrin repeats of the CDKN2A (p16INK4A) protein. Computational prediction is inconclusive regarding the impact of this variant on protein structure and function (internally defined REVEL score threshold 0.5 < inconclusive < 0.7, PMID: 27666373). Functional studies have shown this variant to interfere with CDKN2A (p16INK4a) protein binding to CDK4 (PMID: 9328469, 9389568, 11595726) and result in the loss of cell cycle-inhibitory activity (PMID: 11595726). This variant has been reported in multiple individuals affected with melanoma (PMID: 16234564, 17171691, 31567591) and pancreatic cancer (PMID: 25356972, 32482799). A different nucleotide substitution resulting in the same protein consequence (c.159G>C, p.Met53Ile) is a common cause of melanoma in the Scottish (PMID: 17171691) and Norwegian populations (PMID 27804060). This variant has not been identified in the general population by the Genome Aggregation Database (gnomAD). Based on the available evidence, this variant is classified as Pathogenic.

GeneDx
Classification: Likely pathogenic. Last evaluated: 2022-04-20. Review status: criteria provided, single submitter. Criteria: GeneDx Variant Classification Process June 2021. Collection method: clinical testing. Allele origin: germline. Affected: yes.
Comment: Observed in multiple individuals with melanoma or pancreatic cancer (Begg 2005, Berwick 2006, Orlow 2007, Zhen 2015, Overbeek 2021); Not observed at significant frequency in large population cohorts (gnomAD); In silico analysis supports that this missense variant has a deleterious effect on protein structure/function; This variant is associated with the following publications: (PMID: 11595726, 21462282, 32482799, 9328469, 16234564, 16896043, 17218939, 25356972)

Baylor Genetics
Classification: Pathogenic for Melanoma and neural system tumor syndrome. Last evaluated: 2022-03-22. Review status: criteria provided, single submitter. Criteria: ACMG Guidelines, 2015. Collection method: clinical testing. Allele origin: unknown.

Literature cited by the submitters: PubMed 8595405 (cited by Labcorp Genetics (formerly Invitae), Labcorp); PubMed 9328469 (cited by 3 submitters); PubMed 9389568 (cited by 3 submitters); PubMed 9699728 (cited by Labcorp Genetics (formerly Invitae), Labcorp); PubMed 11595726 (cited by 3 submitters); PubMed 16234564 (cited by 3 submitters); PubMed 16307646 (cited by Labcorp Genetics (formerly Invitae), Labcorp); PubMed 16905682 (cited by Labcorp Genetics (formerly Invitae), Labcorp); PubMed 17171691 (cited by 3 submitters); PubMed 25356972 (cited by Labcorp Genetics (formerly Invitae), Labcorp and Color Diagnostics, LLC DBA Color Health); PubMed 16896043 (cited by Ambry Genetics); PubMed 17218939 (cited by Ambry Genetics); PubMed 20340136 (cited by Ambry Genetics); PubMed 21462282 (cited by Ambry Genetics); PubMed 25780468 (cited by Ambry Genetics); PubMed 26542317 (cited by Ambry Genetics); PubMed 29091774 (cited by Ambry Genetics); PubMed 27804060 (cited by Color Diagnostics, LLC DBA Color Health); PubMed 31567591 (cited by Color Diagnostics, LLC DBA Color Health); PubMed 32482799 (cited by Color Diagnostics, LLC DBA Color Health).

NM_000077.5(CDKN2A):c.159G>A (p.Met53Ile)

Gene: CDKN2A (cyclin dependent kinase inhibitor 2A; minus strand). Cytogenetic location: 9p21.3.
Variant type: single nucleotide variant.
Coding change: c.159G>A on transcript NM_000077.5; coding-DNA position 159, G replaced by A.
Protein change: p.Met53Ile; replaces methionine 53 with isoleucine.
Molecular consequence: missense variant (on NM_000077.6). On other transcripts: 3 prime UTR variant (1).
Genome position (GRCh38, 1-based): chr9:21,971,200, C>T on the plus strand (G>A on the coding strand, the complement: CDKN2A is on the minus strand). VCF-style: chr9-21971200-C-T. GRCh37 (hg19) VCF-style: chr9-21971199-C-T.
Other names: c.159G>A, p.Met53Ile (NM_000077.6, NM_001195132.2); c.6G>A, p.Met2Ile (NM_001363763.2); c.202G>A, p.Asp68Asn (NM_058195.4); c.*82G>A (NM_058197.5); short protein forms M53I, D68N, M2I.
Identifiers: ClinVar variation 532294 (VCV000532294.20), dbSNP rs104894095, ClinGen allele CA190730408.
Genomic context (GRCh38, chr9:21,971,200, plus strand): 5'-GGCGCAGTTGGGCTCCGCGCCGTGGAGCAGCAGCAGCTCCGCCACTCGGGCGCTGCCCAT[C>T]ATCATGACCTGCCAGAGAGAACAGAATGGTCAGAGCCAGGGTGGGGGCCGGCATGACGGA-3'
Protein context (NP_000068.1, residues 43-63): SYGRRPIQVM[Met53Ile]MGSARVAELL